The following is an entry in ClinVar:

ClinVar aggregate classification (germline): Conflicting classifications of pathogenicity. Review status: criteria provided, conflicting classifications (1 of 4 stars). 3 submissions from 3 submitters: Uncertain significance (2); Likely benign (1). Last evaluated 2024-01-18.

Conditions:
Hereditary breast ovarian cancer syndrome. Also called: Hereditary breast and ovarian cancer syndrome (HBOC); Hereditary breast and ovarian cancer syndrome; Breast and ovarian cancer; Hereditary breast and ovarian cancer; Hereditary breast and/or ovarian cancer syndrome; BRCA1- and BRCA2-Associated Hereditary Breast and Ovarian Cancer. Identifiers: Orphanet 145, MedGen C0677776, MeSH D061325, MONDO:0003582. Disease mechanism: loss of function.
Hereditary cancer-predisposing syndrome. Also called: Neoplastic Syndromes, Hereditary; Tumor predisposition; Hereditary neoplastic syndrome; Hereditary Cancer Syndrome. Identifiers: Orphanet 140162, MedGen C0027672, MeSH D009386, MONDO:0015356.

Submissions (3):

Labcorp Genetics (formerly Invitae), Labcorp
Classification: Uncertain significance for Hereditary breast ovarian cancer syndrome. Last evaluated: 2024-01-18. Review status: criteria provided, single submitter. Criteria: Invitae Variant Classification Sherloc (09022015). Collection method: clinical testing. Allele origin: germline.
Comment: This sequence change replaces lysine, which is basic and polar, with asparagine, which is neutral and polar, at codon 848 of the BRCA2 protein (p.Lys848Asn). This variant is not present in population databases (gnomAD no frequency). This variant has not been reported in the literature in individuals affected with BRCA2-related conditions. ClinVar contains an entry for this variant (Variation ID: 663779). Advanced modeling of protein sequence and biophysical properties (such as structural, functional, and spatial information, amino acid conservation, physicochemical variation, residue mobility, and thermodynamic stability) performed at Invitae indicates that this missense variant is not expected to disrupt BRCA2 protein function with a negative predictive value of 95%. In summary, the available evidence is currently insufficient to determine the role of this variant in disease. Therefore, it has been classified as a Variant of Uncertain Significance.

University of Washington Department of Laboratory Medicine, University of Washington
Classification: Likely benign for Hereditary cancer-predisposing syndrome. Last evaluated: 2023-03-23. Review status: criteria provided, single submitter. Criteria: Dines et al. (Genet Med. 2020). Collection method: curation. Allele origin: germline.
Comment: Missense variant in a coldspot region where missense variants are very unlikely to be pathogenic (PMID:31911673).

BRCA2 exon 11 coldspot. Reclassification based on statistical prior probability.

Ambry Genetics
Classification: Uncertain significance for Hereditary cancer-predisposing syndrome. Last evaluated: 2021-09-27. Review status: criteria provided, single submitter. Criteria: Ambry Variant Classification Scheme 2023. Collection method: clinical testing. Allele origin: germline.
Comment: The p.K848N variant (also known as c.2544G>C), located in coding exon 10 of the BRCA2 gene, results from a G to C substitution at nucleotide position 2544. The lysine at codon 848 is replaced by asparagine, an amino acid with similar properties. This amino acid position is not well conserved in available vertebrate species. In addition, this alteration is predicted to be tolerated by in silico analysis. Since supporting evidence is limited at this time, the clinical significance of this alteration remains unclear.

NM_000059.4(BRCA2):c.2544G>C (p.Lys848Asn)

Gene: BRCA2 (BRCA2 DNA repair associated; plus strand). Cytogenetic location: 13q13.1.
Variant type: single nucleotide variant.
Coding change: c.2544G>C on transcript NM_000059.4 (MANE Select); coding-DNA position 2544, G replaced by C.
Protein change: p.Lys848Asn; replaces lysine 848 with asparagine.
Molecular consequence: missense variant.
Genome position (GRCh38, 1-based): chr13:32,336,899, G>C. VCF-style: chr13-32336899-G-C. GRCh37 (hg19) VCF-style: chr13-32911036-G-C.
Other names: short protein forms K848N.
Identifiers: ClinVar variation 663779 (VCV000663779.8), dbSNP rs78879762, ClinGen allele CA387772510.